The following is an entry in ClinVar:

NM_000094.4(COL7A1):c.2993-2A>G

Gene: COL7A1 (collagen type VII alpha 1 chain; minus strand). Cytogenetic location: 3p21.31.
Variant type: single nucleotide variant.
Coding change: c.2993-2A>G on transcript NM_000094.4 (MANE Select); the canonical splice acceptor site of the intron before coding-DNA position 2993, A replaced by G.
Molecular consequence: splice acceptor variant.
Genome position (GRCh38, 1-based): chr3:48,587,338, T>C on the plus strand (A>G on the coding strand, the complement: COL7A1 is on the minus strand). VCF-style: chr3-48587338-T-C. GRCh37 (hg19) VCF-style: chr3-48624771-T-C.
Identifiers: ClinVar variation 505312 (VCV000505312.13), dbSNP rs1553612928, ClinGen allele CA352713581.

ClinVar aggregate classification (germline): Likely pathogenic. Review status: criteria provided, multiple submitters, no conflicts (2 of 4 stars). 4 submissions from 4 submitters: Likely pathogenic (3). 1 of the submissions does not count toward it. Last evaluated 2024-10-17.

Conditions:
Pretibial dystrophic epidermolysis bullosa. Also called: EPIDERMOLYSIS BULLOSA DYSTROPHICA, PRETIBIAL; Pretibial blistering; Pretibial epidermolysis bullosa. Identifiers: Orphanet 79410, MedGen C0432321, MONDO:0007552, OMIM 131850, HP:0012221.
Dominant dystrophic epidermolysis bullosa with absence of skin. Also called: EPIDERMOLYSIS BULLOSA WITH CONGENITAL LOCALIZED ABSENCE OF SKIN AND DEFORMITY OF NAILS; EPIDERMOLYSIS BULLOSA DYSTROPHICA, BART TYPE. Identifiers: MedGen C0268371, MONDO:0007557, OMIM 132000.
Epidermolysis bullosa pruriginosa. Also called: DEB, PRURIGINOSA; DYSTROPHIC EPIDERMOLYSIS BULLOSA PRURIGINOSA. Identifiers: Orphanet 89843, MedGen C1275114, MONDO:0011398, OMIM 604129.
Recessive dystrophic epidermolysis bullosa (RDEB). Also called: epidermolysis bullosa dystrophica, autosomal recessive; Hallopeau-Siemens Disease; EPIDERMOLYSIS BULLOSA DYSTROPHICA, GENERALIZED SEVERE, AUTOSOMAL RECESSIVE; Epidermolysis Bullosa Distrophica Autosomal Recessive (RDEB); Recessive DEB (RDEB); severe generalized recessive dystrophic epidermolysis bullosa. Identifiers: Orphanet 79408, Orphanet 79409, MedGen C0079474, MONDO:0009179, OMIM 226600.
Generalized dominant dystrophic epidermolysis bullosa (DDEB). Also called: Dominant DEB (DDEB); DDEB, generalized; DDEB-gen; DYSTROPHIC EPIDERMOLYSIS BULLOSA, AUTOSOMAL DOMINANT; Epidermolysis bullosa dystrophica, autosomal dominant. Identifiers: Orphanet 231568, MedGen C0432322, MONDO:0007549, OMIM 131750.
Transient bullous dermolysis of the newborn (TBDN). Also called: EPIDERMOLYSIS BULLOSA DYSTROPHICA, NEONATAL FORM; DYSTROPHIC EPIDERMOLYSIS BULLOSA, NEONATAL. Identifiers: Orphanet 79411, MedGen C1851573, MONDO:0007548, OMIM 131705.
Nonsyndromic congenital nail disorder 8. Also called: TOENAIL DYSTROPHY, ISOLATED. Identifiers: MedGen C1843761, MONDO:0011852, OMIM 607523.
Epidermolysis bullosa dystrophica. Also called: Dystrophic epidermolysis bullosa, Hallopeau-Siemens type (formerly); Dystrophic epidermolysis bullosa. Identifiers: Orphanet 303, MedGen C0079294, MONDO:0006543.

Submissions (4):

Labcorp Genetics (formerly Invitae), Labcorp
Classification: Likely pathogenic. Last evaluated: 2024-10-17. Review status: criteria provided, single submitter. Criteria: Invitae Variant Classification Sherloc (09022015). Collection method: clinical testing. Allele origin: germline.
Comment: This sequence change affects an acceptor splice site in intron 22 of the COL7A1 gene. It is expected to disrupt RNA splicing. Variants that disrupt the donor or acceptor splice site typically lead to a loss of protein function (PMID: 16199547), and loss-of-function variants in COL7A1 are known to be pathogenic (PMID: 16971478). This variant is not present in population databases (gnomAD no frequency). This variant has not been reported in the literature in individuals affected with COL7A1-related conditions. ClinVar contains an entry for this variant (Variation ID: 505312). Algorithms developed to predict the effect of sequence changes on RNA splicing suggest that this variant may disrupt the consensus splice site. In summary, the currently available evidence indicates that the variant is pathogenic, but additional data are needed to prove that conclusively. Therefore, this variant has been classified as Likely Pathogenic.

Fulgent Genetics
Classification: Likely pathogenic for Transient bullous dermolysis of the newborn; Generalized dominant dystrophic epidermolysis bullosa; Pretibial dystrophic epidermolysis bullosa; Dominant dystrophic epidermolysis bullosa with absence of skin; Recessive dystrophic epidermolysis bullosa; Epidermolysis bullosa pruriginosa; Nonsyndromic congenital nail disorder 8. Last evaluated: 2024-04-18. Review status: criteria provided, single submitter. Criteria: ACMG Guidelines, 2015. Collection method: clinical testing. Allele origin: germline.

Laboratory for Molecular Medicine, Mass General Brigham Personalized Medicine
Classification: Likely pathogenic for Epidermolysis bullosa dystrophica. Last evaluated: 2016-09-05. Review status: criteria provided, single submitter. Criteria: LMM Criteria. Collection method: clinical testing. Allele origin: germline. Inheritance: Autosomal recessive inheritance. Observed: 1 variant allele.
Comment: The c.2993-2A>G variant in COL7A1 has not been reported in patients and it was a bsent from large population studies. This variant occurs in the invariant region (+/- 1,2) of the splice consensus sequence and is predicted to cause altered sp licing leading to an abnormal or absent protein. Most splice variants in COL7A1 reported to date have been associated with autosomal recessive epidermolysis bul losa dystrophica, although there are reports of splice variants resulting in the dominant form of the disease. In summary, although additional studies are requi red to fully establish its clinical significance, the c.2993-2A>G variant in COL 7A1 is likely pathogenic for epidermolysis bullosa dystrophica in an autosomal r ecessive manner.

Natera, Inc.
Classification: Likely pathogenic for Dystrophic epidermolysis bullosa. Last evaluated: 2021-08-10. Review status: no assertion criteria provided. Collection method: clinical testing. Allele origin: germline. Not counted in ClinVar's aggregate classification.

Literature cited by the submitters: PubMed 16199547 (cited by Labcorp Genetics (formerly Invitae), Labcorp); PubMed 16971478 (cited by Labcorp Genetics (formerly Invitae), Labcorp).